The following is an entry in ClinVar:

NM_000048.4(ASL):c.197G>A (p.Gly66Asp)

Gene: ASL (argininosuccinate lyase; plus strand). Cytogenetic location: 7q11.21.
Variant type: single nucleotide variant.
Coding change: c.197G>A on transcript NM_000048.4 (MANE Select); coding-DNA position 197, G replaced by A.
Protein change: p.Gly66Asp; replaces glycine 66 with aspartic acid.
Molecular consequence: missense variant.
Genome position (GRCh38, 1-based): chr7:66,081,987, G>A. VCF-style: chr7-66081987-G-A. GRCh37 (hg19) VCF-style: chr7-65546974-G-A.
Other names: c.197G>A, p.Gly66Asp (NM_001024943.2, NM_001024944.2, NM_001024946.2); short protein forms G66D.
Identifiers: ClinVar variation 4705763 (VCV004705763.1).
Genomic context (GRCh38, chr7:66,081,987, plus strand): 5'-GCAGGGGCCTGGAGAAGGCAGGGCTCCTCACCAAGGCCGAGATGGACCAGATACTCCATG[G>A]CCTAGACAAGGTACTTGCCGTGGCCCAAGCCCCACCCAAGGCCCCTTCCCTGTGGCCCCA-3'
Protein context (NP_000039.2, residues 56-76): TKAEMDQILH[Gly66Asp]LDKVAEEWAQ

ClinVar aggregate classification (germline): Pathogenic (1 of 4 stars; one submission).

Conditions:
Argininosuccinate lyase deficiency. Also called: Argininosuccinic aciduria; ARGININOSUCCINIC ACID LYASE DEFICIENCY; ASL DEFICIENCY. Identifiers: Orphanet 23, MedGen C0268547, MONDO:0008815, OMIM 207900, HP:0025630.

gnomAD v4.1: 1 of 1,608,078 alleles (0.000062%); highest among the groups gnomAD compares: Non-Finnish European, 0.000085%; no homozygotes.

Submission:

Labcorp Genetics (formerly Invitae), Labcorp
Classification: Pathogenic for Argininosuccinate lyase deficiency. Last evaluated: 2025-09-10. Review status: criteria provided, single submitter. Criteria: Invitae Variant Classification Sherloc (09022015). Collection method: clinical testing. Allele origin: germline.
Comment: This sequence change replaces glycine, which is neutral and non-polar, with aspartic acid, which is acidic and polar, at codon 66 of the ASL protein (p.Gly66Asp). This variant is not present in population databases (gnomAD no frequency). This missense change has been observed in individual(s) with clinical features of argininosuccinate lyase deficiency (internal data). In at least one individual the data is consistent with being in trans (on the opposite chromosome) from a pathogenic variant. Invitae Evidence Modeling of protein sequence and biophysical properties (such as structural, functional, and spatial information, amino acid conservation, physicochemical variation, residue mobility, and thermodynamic stability) indicates that this missense variant is expected to disrupt ASL protein function with a positive predictive value of 95%. For these reasons, this variant has been classified as Pathogenic.